The following is an entry in ClinVar:

NM_001042492.3(NF1):c.3991del (p.Ser1331fs)

Gene: NF1 (neurofibromin 1; plus strand). Cytogenetic location: 17q11.2.
Variant type: Deletion.
Coding change: c.3991del on transcript NM_001042492.3 (MANE Select); coding-DNA position 3991, one base deleted (A; older notation c.3991delA).
Protein change: p.Ser1331fs; shifts the reading frame from serine 1331.
Molecular consequence: frameshift variant.
Genome position (GRCh38, 1-based): chr17:31,249,000, A deleted. VCF-style (leftmost placement, unchanged base first): chr17-31248999-GA-G. GRCh37 (hg19) VCF-style: chr17-29576017-GA-G.
Other names: c.3991delA, p.Ser1331Alafs (NM_000267.4); c.3991delA (NM_000267.3); short protein forms S1331fs.
Identifiers: ClinVar variation 1364405 (VCV001364405.8), dbSNP rs2151451319, ClinGen allele CA2573153306.

ClinVar aggregate classification (germline): Pathogenic. Review status: criteria provided, multiple submitters, no conflicts (2 of 4 stars). 2 submissions from 2 submitters: Pathogenic (2). Last evaluated 2021-09-14.

Conditions:
Cardiovascular phenotype. Identifiers: MedGen CN230736.
Hereditary cancer-predisposing syndrome. Also called: Hereditary neoplastic syndrome; Hereditary Cancer Syndrome; Neoplastic Syndromes, Hereditary; Tumor predisposition. Identifiers: Orphanet 140162, MedGen C0027672, MeSH D009386, MONDO:0015356.
Neurofibromatosis, type 1 (NF1). Also called: Peripheral type neurofibromatosis; Neurofibromatosis, type I; NEUROFIBROMATOSIS, TYPE I, SOMATIC; VON RECKLINGHAUSEN DISEASE. Identifiers: Orphanet 636, MedGen C0027831, MONDO:0018975, OMIM 162200. Disease mechanism: loss of function.

Submissions (2):

Labcorp Genetics (formerly Invitae), Labcorp
Classification: Pathogenic for Neurofibromatosis, type 1. Last evaluated: 2021-09-14. Review status: criteria provided, single submitter. Criteria: Invitae Variant Classification Sherloc (09022015). Collection method: clinical testing. Allele origin: germline.
Comment: For these reasons, this variant has been classified as Pathogenic. This variant has not been reported in the literature in individuals affected with NF1-related conditions. This variant is not present in population databases (ExAC no frequency). This sequence change creates a premature translational stop signal (p.Ser1331Alafs*12) in the NF1 gene. It is expected to result in an absent or disrupted protein product. Loss-of-function variants in NF1 are known to be pathogenic (PMID: 10712197, 23913538).

Ambry Genetics
Classification: Pathogenic for Cardiovascular phenotype; Hereditary cancer-predisposing syndrome. Last evaluated: 2018-05-30. Review status: criteria provided, single submitter. Criteria: Ambry Variant Classification Scheme 2023. Collection method: clinical testing. Allele origin: germline.
Comment: The c.3991delA pathogenic mutation, located in coding exon 30 of the NF1 gene, results from a deletion of one nucleotide at nucleotide position 3991, causing a translational frameshift with a predicted alternate stop codon (p.S1331Afs*12). This alteration is expected to result in loss of function by premature protein truncation or nonsense-mediated mRNA decay. As such, this alteration is interpreted as a disease-causing mutation.

Literature cited by the submitters: PubMed 10712197 (cited by Labcorp Genetics (formerly Invitae), Labcorp); PubMed 23913538 (cited by Labcorp Genetics (formerly Invitae), Labcorp).